The following is an entry in ClinVar:

NM_001100913.3(PACS2):c.2518G>T (p.Val840Leu)

Gene: PACS2 (phosphofurin acidic cluster sorting protein 2; plus strand). Cytogenetic location: 14q32.33.
Variant type: single nucleotide variant.
Coding change: c.2518G>T on transcript NM_001100913.3 (MANE Select); coding-DNA position 2518, G replaced by T.
Protein change: p.Val840Leu; replaces valine 840 with leucine.
Molecular consequence: missense variant.
Genome position (GRCh38, 1-based): chr14:105,393,257, G>T. VCF-style: chr14-105393257-G-T. GRCh37 (hg19) VCF-style: chr14-105859594-G-T.
Other names: c.2518G>T (NM_001100913.2); c.2248G>T, p.Val750Leu (NM_001243127.3); c.2473G>T, p.Val825Leu (NM_015197.4); short protein forms V750L, V825L, V840L.
Identifiers: ClinVar variation 1633013 (VCV001633013.33), dbSNP rs782583159, ClinGen allele CA7389313.

ClinVar aggregate classification (germline): Benign/Likely benign. Review status: criteria provided, multiple submitters, no conflicts (2 of 4 stars). 4 submissions from 4 submitters: Benign (2); Likely benign (1). 1 of the submissions does not count toward it. Last evaluated 2026-02-02.

Conditions:
PACS2-related disorder. Also called: PACS2-related condition.

Allele frequency attached by ClinVar (database versions not stated): ExAC 0.00005.
gnomAD v4.1: 118 of 1,612,874 alleles (0.0073%); highest among the groups gnomAD compares: Middle Eastern, 0.082%; no homozygotes.

Submissions (4):

Labcorp Genetics (formerly Invitae), Labcorp
Classification: Benign. Last evaluated: 2026-02-02. Review status: criteria provided, single submitter. Criteria: Invitae Variant Classification Sherloc (09022015). Collection method: clinical testing. Allele origin: germline.

CeGaT Center for Human Genetics Tuebingen
Classification: Likely benign. Last evaluated: 2023-05-01. Review status: criteria provided, single submitter. Criteria: CeGaT Center For Human Genetics Tuebingen Variant Classification Criteria Version 2. Collection method: clinical testing. Allele origin: germline. Affected: yes. Observed: 1 variant allele.
Comment: PACS2: BP4

Breakthrough Genomics
Classification: Benign. Review status: criteria provided, single submitter. Criteria: ACMG Guidelines, 2015. Collection method: not provided. Allele origin: germline. Inheritance: Autosomal dominant inheritance. Affected: yes.

PreventionGenetics, part of Exact Sciences
Classification: Likely benign for PACS2-related condition. Last evaluated: 2023-02-17. Review status: no assertion criteria provided. Collection method: clinical testing. Allele origin: germline. Not counted in ClinVar's aggregate classification.
Comment: This variant is classified as likely benign based on ACMG/AMP sequence variant interpretation guidelines (Richards et al. 2015 PMID: 25741868, with internal and published modifications).